The following is an entry in ClinVar:

NM_080386.4(TUBA3D):c.831A>G (p.Ser277=)

Genes: MZT2A (mitotic spindle organizing protein 2A; minus strand), TUBA3D (tubulin alpha 3d; plus strand). Cytogenetic location: 2q21.1.
Variant type: single nucleotide variant.
Coding change: c.831A>G on transcript NM_080386.4 (MANE Select); coding-DNA position 831, A replaced by G.
Protein change: p.Ser277=; no amino-acid change (serine 277 retained).
Molecular consequence: synonymous variant.
Genome position (GRCh38, 1-based): chr2:131,480,524, A>G. VCF-style: chr2-131480524-A-G. GRCh37 (hg19) VCF-style: chr2-132238097-A-G.
Identifiers: ClinVar variation 3770520 (VCV003770520.13).

ClinVar aggregate classification (germline): Benign (1 of 4 stars; one submission).

gnomAD v4.1: 7,377 of 1,602,952 alleles (0.46%); highest among the groups gnomAD compares: African/African-American, 0.79%; 214 homozygotes.

Submission:

CeGaT Center for Human Genetics Tuebingen
Classification: Benign. Last evaluated: 2025-02-01. Review status: criteria provided, single submitter. Criteria: CeGaT Center For Human Genetics Tuebingen Variant Classification Criteria Version 2. Collection method: clinical testing. Allele origin: germline. Affected: yes. Observed: 1 variant allele.
Comment: TUBA3D: BP4, BP7, BS1, BS2